The following is an entry in ClinVar:

ClinVar aggregate classification (germline): Uncertain significance (1 of 4 stars; one submission).

Allele frequency attached by ClinVar (database versions not stated): gnomAD exomes below 0.00001.

Submission:

Labcorp Genetics (formerly Invitae), Labcorp
Classification: Uncertain significance. Last evaluated: 2025-03-10. Review status: criteria provided, single submitter. Criteria: Invitae Variant Classification Sherloc (09022015). Collection method: clinical testing. Allele origin: germline.
Comment: This sequence change replaces cysteine, which is neutral and slightly polar, with arginine, which is basic and polar, at codon 120 of the PYCR1 protein (p.Cys120Arg). This variant is not present in population databases (gnomAD no frequency). This variant has not been reported in the literature in individuals affected with PYCR1-related conditions. ClinVar contains an entry for this variant (Variation ID: 1477634). Invitae Evidence Modeling of protein sequence and biophysical properties (such as structural, functional, and spatial information, amino acid conservation, physicochemical variation, residue mobility, and thermodynamic stability) indicates that this missense variant is not expected to disrupt PYCR1 protein function with a negative predictive value of 80%. In summary, the available evidence is currently insufficient to determine the role of this variant in disease. Therefore, it has been classified as a Variant of Uncertain Significance.

NM_006907.4(PYCR1):c.358T>C (p.Cys120Arg)

Gene: PYCR1 (pyrroline-5-carboxylate reductase 1; minus strand). Cytogenetic location: 17q25.3.
Variant type: single nucleotide variant.
Coding change: c.358T>C on transcript NM_006907.4 (MANE Select); coding-DNA position 358, T replaced by C.
Protein change: p.Cys120Arg; replaces cysteine 120 with arginine.
Molecular consequence: missense variant.
Genome position (GRCh38, 1-based): chr17:81,935,108, A>G on the plus strand (T>C on the coding strand, the complement: PYCR1 is on the minus strand). VCF-style: chr17-81935108-A-G. GRCh37 (hg19) VCF-style: chr17-79892984-A-G.
Other names: c.358T>C, p.Cys120Arg (NM_001282279.2, NM_001282280.2, NM_001330523.2 and 1 more transcripts); c.439T>C, p.Cys147Arg (NM_001282281.2); short protein forms C147R, C120R.
Identifiers: ClinVar variation 1477634 (VCV001477634.6), dbSNP rs2143879901, ClinGen allele CA401539086.
Genomic context (GRCh38, chr17:81,935,108, plus strand): 5'-GCGTGCCTGTGGCATACACGGTGGCCCCCTCCCGCACCACGACTGGAGTGTTGGTCATGC[A>G]GCGGATGACCCTGGGGGCTGGCCGAAACGCTGACAGCTTCTGGAAGAGAAACCAGCGTGT-3'
Protein context (NP_008838.2, residues 110-130): AFRPAPRVIR[Cys120Arg]MTNTPVVVRE